The following is an entry in ClinVar:

ClinVar aggregate classification (germline): Uncertain significance (1 of 4 stars; one submission).

Allele frequency attached by ClinVar (database versions not stated): gnomAD exomes below 0.00001 and 0.00001; TOPMed below 0.00001; gnomAD 0.00001.
gnomAD v4.1: 4 of 1,551,666 alleles (0.00026%); highest among the groups gnomAD compares: African/African-American, 0.0014%; no homozygotes.

Submission:

Laboratory for Molecular Medicine, Mass General Brigham Personalized Medicine
Classification: Uncertain significance. Last evaluated: 2017-06-26. Review status: criteria provided, single submitter. Criteria: LMM Criteria. Collection method: clinical testing. Allele origin: germline. Observed: 2 variant alleles.
Comment: Variant classified as Uncertain Significance - Favor Pathogenic. T his variant has not been identified in large population studies. Computational p rediction tools and conservation analyses suggest that this variant may impact t he protein, though this information is not predictive enough to determine pathog enicity. In summary, while there is some suspicion for a pathogenic role, the c linical significance of this variant is uncertain.

NM_001384474.1(LOXHD1):c.3412G>A (p.Glu1138Lys)

Gene: LOXHD1 (lipoxygenase homology PLAT domains 1; minus strand). Cytogenetic location: 18q21.1.
Variant type: single nucleotide variant.
Coding change: c.3412G>A on transcript NM_001384474.1 (MANE Select); coding-DNA position 3412, G replaced by A.
Protein change: p.Glu1138Lys; replaces glutamic acid 1138 with lysine.
Molecular consequence: missense variant. On other transcripts: 5 prime UTR variant (1).
Genome position (GRCh38, 1-based): chr18:46,546,997, C>T on the plus strand (G>A on the coding strand, the complement: LOXHD1 is on the minus strand). VCF-style: chr18-46546997-C-T. GRCh37 (hg19) VCF-style: chr18-44126960-C-T.
Other names: c.79G>A, p.Glu27Lys (NM_001145472.3); c.-210G>A (NM_001308013.2); c.3412G>A, p.Glu1138Lys (NM_144612.7); short protein forms E1138K, E27K.
Identifiers: ClinVar variation 505019 (VCV000505019.4), dbSNP rs1230147513, ClinGen allele CA402367116.